The following is an entry in ClinVar:

NM_020964.3(EPG5):c.2648A>G (p.Asn883Ser)

Gene: EPG5 (ectopic P-granules 5 autophagy tethering factor; minus strand). Cytogenetic location: 18q21.1.
Variant type: single nucleotide variant.
Coding change: c.2648A>G on transcript NM_020964.3 (MANE Select); coding-DNA position 2648, A replaced by G.
Protein change: p.Asn883Ser; replaces asparagine 883 with serine.
Molecular consequence: missense variant.
Genome position (GRCh38, 1-based): chr18:45,925,808, T>C on the plus strand (A>G on the coding strand, the complement: EPG5 is on the minus strand). VCF-style: chr18-45925808-T-C. GRCh37 (hg19) VCF-style: chr18-43505774-T-C.
Other names: c.2648A>G (NM_020964.2); short protein forms N883S.
Identifiers: ClinVar variation 1022553 (VCV001022553.9), dbSNP rs767545552, ClinGen allele CA8949376.

ClinVar aggregate classification (germline): Uncertain significance. Review status: criteria provided, multiple submitters, no conflicts (2 of 4 stars). 2 submissions from 2 submitters: Uncertain significance (2). Last evaluated 2025-04-18.

Conditions:
Vici syndrome (VICIS). Identifiers: Orphanet 1493, MedGen C1855772, MONDO:0009452, OMIM 242840.
Inborn genetic diseases. Identifiers: MedGen C0950123, MeSH D030342.

Allele frequency attached by ClinVar (database versions not stated): gnomAD exomes below 0.00001 and 0.00001; ExAC 0.00001; TOPMed 0.00002.
gnomAD v4.1: 15 of 1,579,524 alleles (0.00095%); highest among the groups gnomAD compares: African/African-American, 0.018%; no homozygotes.

Submissions (2):

Ambry Genetics
Classification: Uncertain significance for Inborn genetic diseases. Last evaluated: 2025-04-18. Review status: criteria provided, single submitter. Criteria: Ambry Variant Classification Scheme 2023. Collection method: clinical testing. Allele origin: germline.

Labcorp Genetics (formerly Invitae), Labcorp
Classification: Uncertain significance for Vici syndrome. Last evaluated: 2022-10-17. Review status: criteria provided, single submitter. Criteria: Invitae Variant Classification Sherloc (09022015). Collection method: clinical testing. Allele origin: germline.
Comment: This sequence change replaces asparagine, which is neutral and polar, with serine, which is neutral and polar, at codon 883 of the EPG5 protein (p.Asn883Ser). The frequency data for this variant in the population databases is considered unreliable, as metrics indicate poor data quality at this position in the gnomAD database. This variant has not been reported in the literature in individuals affected with EPG5-related conditions. ClinVar contains an entry for this variant (Variation ID: 1022553). Advanced modeling of protein sequence and biophysical properties (such as structural, functional, and spatial information, amino acid conservation, physicochemical variation, residue mobility, and thermodynamic stability) performed at Invitae indicates that this missense variant is not expected to disrupt EPG5 protein function. In summary, the available evidence is currently insufficient to determine the role of this variant in disease. Therefore, it has been classified as a Variant of Uncertain Significance.